The following is an entry in ClinVar:

NM_001031689.3(PLAA):c.201T>A (p.Phe67Leu)

Gene: PLAA (phospholipase A2 activating protein; minus strand). Cytogenetic location: 9p21.2.
Variant type: single nucleotide variant.
Coding change: c.201T>A on transcript NM_001031689.3 (MANE Select); coding-DNA position 201, T replaced by A.
Protein change: p.Phe67Leu; replaces phenylalanine 67 with leucine.
Molecular consequence: missense variant.
Genome position (GRCh38, 1-based): chr9:26,935,155, A>T on the plus strand (T>A on the coding strand, the complement: PLAA is on the minus strand). VCF-style: chr9-26935155-A-T. GRCh37 (hg19) VCF-style: chr9-26935153-A-T.
Other names: c.201T>A, p.Phe67Leu (NM_001321546.2); short protein forms F67L.
Identifiers: ClinVar variation 2134652 (VCV002134652.4), dbSNP rs2489226931, ClinGen allele CA373112096.

ClinVar aggregate classification (germline): Uncertain significance (1 of 4 stars; one submission).

Submission:

Labcorp Genetics (formerly Invitae), Labcorp
Classification: Uncertain significance. Last evaluated: 2022-07-20. Review status: criteria provided, single submitter. Criteria: Invitae Variant Classification Sherloc (09022015). Collection method: clinical testing. Allele origin: germline.
Comment: In summary, the available evidence is currently insufficient to determine the role of this variant in disease. Therefore, it has been classified as a Variant of Uncertain Significance. Algorithms developed to predict the effect of missense changes on protein structure and function are either unavailable or do not agree on the potential impact of this missense change (SIFT: "Tolerated"; PolyPhen-2: "Probably Damaging"; Align-GVGD: "Class C0"). This variant has not been reported in the literature in individuals affected with PLAA-related conditions. This variant is not present in population databases (gnomAD no frequency). This sequence change replaces phenylalanine, which is neutral and non-polar, with leucine, which is neutral and non-polar, at codon 67 of the PLAA protein (p.Phe67Leu).